The following is an entry in ClinVar:

NM_002658.6(PLAU):c.172G>A (p.Gly58Arg)

Genes: C10orf55 (chromosome 10 putative open reading frame 55; minus strand), PLAU (plasminogen activator, urokinase; plus strand). Cytogenetic location: 10q22.2.
Variant type: single nucleotide variant.
Coding change: c.172G>A on transcript NM_002658.6 (MANE Select); coding-DNA position 172, G replaced by A.
Protein change: p.Gly58Arg; replaces glycine 58 with arginine.
Molecular consequence: missense variant. On other transcripts: 5 prime UTR variant (1).
Genome position (GRCh38, 1-based): chr10:73,912,301, G>A. VCF-style: chr10-73912301-G-A. GRCh37 (hg19) VCF-style: chr10-75672059-G-A.
Other names: p.Gly58Arg; c.121G>A, p.Gly41Arg (NM_001145031.3); c.-87G>A (NM_001319191.2); c.172G>A (NM_002658.5); short protein forms G58R, G41R.
Identifiers: ClinVar variation 190258 (VCV000190258.29), dbSNP rs55744193, ClinGen allele CA277643.

ClinVar aggregate classification (germline): Benign/Likely benign. Review status: criteria provided, multiple submitters, no conflicts (2 of 4 stars). 6 submissions from 6 submitters: Benign (2); Likely benign (3). 1 of the submissions does not count toward it. Last evaluated 2025-06-01.

Conditions:
Hirschsprung disease, susceptibility to, 1 (HSCR1). Also called: RET-Related Hirschsprung Disease. Identifiers: Orphanet 388, MedGen C3888239, MONDO:0007723, OMIM 142623.
Quebec platelet disorder (QPD). Also called: FACTOR V QUEBEC; BLEEDING DISORDER, PLATELET-TYPE, 5. Identifiers: Orphanet 220436, MedGen C1866423, MONDO:0011136, OMIM 601709.

Allele frequency attached by ClinVar (database versions not stated): 1000 Genomes Project 30x 0.00265; 1000 Genomes Project 0.00280; TOPMed 0.00463; gnomAD exomes 0.00466 and 0.00659; gnomAD 0.00484 and 0.00504; ExAC 0.00533; ESP Exome Variant Server 0.00646.
gnomAD v4.1: 10,328 of 1,613,398 alleles (0.64%); highest among the groups gnomAD compares: Non-Finnish European, 0.79%; 52 homozygotes.

Submissions (6):

CeGaT Center for Human Genetics Tuebingen
Classification: Likely benign. Last evaluated: 2025-06-01. Review status: criteria provided, single submitter. Criteria: CeGaT Center For Human Genetics Tuebingen Variant Classification Criteria Version 2. Collection method: clinical testing. Allele origin: germline. Affected: yes. Observed: 2 variant alleles.
Comment: PLAU: BP4, BS2

Mayo Clinic Laboratories, Mayo Clinic
Classification: Benign. Last evaluated: 2024-08-01. Review status: criteria provided, single submitter. Criteria: ACMG Guidelines, 2015. Collection method: clinical testing. Allele origin: germline. Observed: 7 variant alleles.
Comment: BS1, BS2, BP4, PM1_supporting

Labcorp Genetics (formerly Invitae), Labcorp
Classification: Likely benign. Last evaluated: 2019-12-31. Review status: criteria provided, single submitter. Criteria: Invitae Variant Classification Sherloc (09022015). Collection method: clinical testing. Allele origin: germline.

Illumina Laboratory Services, Illumina
Classification: Benign for Quebec platelet disorder. Last evaluated: 2018-01-13. Review status: criteria provided, single submitter. Criteria: ICSL Variant Classification Criteria 13 December 2019. Collection method: clinical testing. Allele origin: germline.
Comment: This variant was observed in the ICSL laboratory as part of a predisposition screen in an ostensibly healthy population. It had not been previously curated by ICSL or reported in the Human Gene Mutation Database (HGMD: prior to June 1st, 2018), and was therefore a candidate for classification through an automated scoring system. Utilizing variant allele frequency, disease prevalence and penetrance estimates, and inheritance mode, an automated score was calculated to assess if this variant is too frequent to cause the disease. Based on the score and internal cut-off values, a variant classified as benign is not then subjected to further curation. The score for this variant resulted in a classification of benign for this disease.

Breakthrough Genomics
Classification: Likely benign. Review status: criteria provided, single submitter. Criteria: ACMG Guidelines, 2015. Collection method: not provided. Allele origin: germline. Inheritance: Autosomal dominant inheritance. Affected: yes.

Department of Genetics, Reproduction and Fetal Medicine., Institute of Biomedicine of Seville (IBIS), University Hospital Virgen del Rocío/CSIC/University of Seville.
Classification: Uncertain significance for Hirschsprung disease 1. Last evaluated: 2015-04-01. Review status: no assertion criteria provided. Collection method: research. Allele origin: germline. Affected: yes. Not counted in ClinVar's aggregate classification.